The following is an entry in ClinVar:

NM_000255.4(MMUT):c.257C>G (p.Pro86Arg)

Gene: MMUT (methylmalonyl-CoA mutase; minus strand). Cytogenetic location: 6p12.3.
Variant type: single nucleotide variant.
Coding change: c.257C>G on transcript NM_000255.4 (MANE Select); coding-DNA position 257, C replaced by G.
Protein change: p.Pro86Arg; replaces proline 86 with arginine.
Molecular consequence: missense variant.
Genome position (GRCh38, 1-based): chr6:49,459,210, G>C on the plus strand (C>G on the coding strand, the complement: MMUT is on the minus strand). VCF-style: chr6-49459210-G-C. GRCh37 (hg19) VCF-style: chr6-49426923-G-C.
Other names: short protein forms P86R.
Identifiers: ClinVar variation 2780084 (VCV002780084.3), dbSNP rs769348060, ClinGen allele CA138801030.

ClinVar aggregate classification (germline): Likely pathogenic (1 of 4 stars; one submission).

Submission:

Labcorp Genetics (formerly Invitae), Labcorp
Classification: Likely pathogenic. Last evaluated: 2025-11-13. Review status: criteria provided, single submitter. Criteria: Invitae Variant Classification Sherloc (09022015). Collection method: clinical testing. Allele origin: germline.
Comment: This sequence change replaces proline, which is neutral and non-polar, with arginine, which is basic and polar, at codon 86 of the MUT protein (p.Pro86Arg). This variant is not present in population databases (gnomAD no frequency). This missense change has been observed in individual(s) with MUT-related conditions (internal data). ClinVar contains an entry for this variant (Variation ID: 2780084). Invitae Evidence Modeling of protein sequence and biophysical properties (such as structural, functional, and spatial information, amino acid conservation, physicochemical variation, residue mobility, and thermodynamic stability) indicates that this missense variant is expected to disrupt MUT protein function with a positive predictive value of 95%. This variant disrupts the p.Pro86 amino acid residue in MUT. Other variant(s) that disrupt this residue have been determined to be pathogenic (PMID: 16281286, 24330302, 27233228). This suggests that this residue is clinically significant, and that variants that disrupt this residue are likely to be disease-causing. In summary, the currently available evidence indicates that the variant is pathogenic, but additional data are needed to prove that conclusively. Therefore, this variant has been classified as Likely Pathogenic.

Literature cited by the submitters: PubMed 16281286; PubMed 24330302; PubMed 27233228.